The following is an entry in ClinVar:

NM_007294.4(BRCA1):c.5251C>G (p.Arg1751Gly)

Gene: BRCA1 (BRCA1 DNA repair associated; minus strand). Cytogenetic location: 17q21.31.
Variant type: single nucleotide variant.
Coding change: c.5251C>G on transcript NM_007294.4 (MANE Select); coding-DNA position 5251, C replaced by G.
Protein change: p.Arg1751Gly; replaces arginine 1751 with glycine.
Molecular consequence: missense variant. On other transcripts: non-coding transcript variant (1).
Genome position (GRCh38, 1-based): chr17:43,057,078, G>C on the plus strand (C>G on the coding strand, the complement: BRCA1 is on the minus strand). VCF-style: chr17-43057078-G-C. GRCh37 (hg19) VCF-style: chr17-41209095-G-C.
Other names: c.1939C>G, p.Arg647Gly (NM_007304.2, NM_001407979.1, NM_001407980.1 and 13 more transcripts); c.5104C>G, p.Arg1702Gly (NM_001407842.1, NM_001407843.1, NM_001407844.1 and 12 more transcripts); c.5038C>G, p.Arg1680Gly (NM_001407895.1, NM_001407896.1, NM_001407897.1 and 12 more transcripts); c.4987C>G, p.Arg1663Gly (NM_001407921.1, NM_001407922.1, NM_001407923.1 and 4 more transcripts); c.4984C>G, p.Arg1662Gly (NM_001407927.1, NM_001407928.1, NM_001407929.1 and 4 more transcripts); c.5125C>G, p.Arg1709Gly (NM_001407940.1, NM_001407675.1, NM_001407676.1 and 10 more transcripts); c.5122C>G, p.Arg1708Gly (NM_001407941.1, NM_001407681.1, NM_001407682.1 and 6 more transcripts); c.5110C>G, p.Arg1704Gly (NM_001407942.1, NM_001407695.1, NM_001407696.1 and 13 more transcripts); and 72 more; short protein forms R1751G, R1772G, R647G, R1704G, R1455G, R1582G, R1661G, R1682G.
Identifiers: ClinVar variation 433728 (VCV000433728.21), dbSNP rs80357123, ClinGen allele CA10591045.

ClinVar aggregate classification (germline): Conflicting classifications of pathogenicity. Review status: criteria provided, conflicting classifications (1 of 4 stars). 4 submissions from 4 submitters: Likely pathogenic (2); Uncertain significance (1). 1 of the submissions does not count toward it. Last evaluated 2026-06-15.

Conditions:
Hereditary breast ovarian cancer syndrome. Also called: Hereditary breast and/or ovarian cancer syndrome; BRCA1- and BRCA2-Associated Hereditary Breast and Ovarian Cancer; Hereditary breast and ovarian cancer syndrome; Breast and ovarian cancer; Hereditary breast and ovarian cancer; Hereditary breast and ovarian cancer syndrome (HBOC). Identifiers: Orphanet 145, MedGen C0677776, MeSH D061325, MONDO:0003582. Disease mechanism: loss of function.
Hereditary cancer-predisposing syndrome. Also called: Neoplastic Syndromes, Hereditary; Hereditary neoplastic syndrome; Hereditary Cancer Syndrome; Tumor predisposition. Identifiers: Orphanet 140162, MedGen C0027672, MeSH D009386, MONDO:0015356.
Malignant tumor of breast. Also called: Malignant breast neoplasm; Cancer breast. Identifiers: MedGen C0006142, MONDO:0007254. Disease mechanism: loss of function.

Submissions (5):

Ambry Genetics
Classification: Likely pathogenic for Hereditary cancer-predisposing syndrome. Last evaluated: 2026-06-15. Review status: criteria provided, single submitter. Criteria: Ambry Variant Classification Scheme 2023. Collection method: clinical testing. Allele origin: germline.
Comment: The p.R1751G variant (also known as c.5251C>G), located in coding exon 18 of the BRCA1 gene, results from a C to G substitution at nucleotide position 5251. The arginine at codon 1751 is replaced by glycine, an amino acid with dissimilar properties. One functional study found that this nucleotide substitution is non-functional in a high throughput genome editing haploid cell survival assay (Findlay GM et al. Nature, 2018 Oct;562:217-222). This amino acid position is highly conserved in available vertebrate species. In addition, this alteration is predicted to be deleterious by in silico analysis. This variant is considered to be rare based on population cohorts in the Genome Aggregation Database (gnomAD). Based on the majority of available evidence to date, this variant is likely to be pathogenic.

Blueprint Genetics
Classification: Uncertain significance. Last evaluated: 2023-01-30. Review status: criteria provided, single submitter. Criteria: ACMG Guidelines, 2015. Collection method: clinical testing. Allele origin: germline.

Labcorp Genetics (formerly Invitae), Labcorp
Classification: Likely pathogenic for Hereditary breast ovarian cancer syndrome. Last evaluated: 2020-01-06. Review status: criteria provided, single submitter. Criteria: Invitae Variant Classification Sherloc (09022015). Collection method: clinical testing. Allele origin: germline.
Comment: This variant has been reported to affect BRCA1 protein function (PMID: 30209399, 30765603). This variant has not been reported in the literature in individuals with BRCA1-related conditions. ClinVar contains an entry for this variant (Variation ID: 433728). This variant is not present in population databases (ExAC no frequency). This sequence change replaces arginine with glycine at codon 1751 of the BRCA1 protein (p.Arg1751Gly). The arginine residue is highly conserved and there is a moderate physicochemical difference between arginine and glycine. In summary, the currently available evidence indicates that the variant is pathogenic, but additional data are needed to prove that conclusively. Therefore, this variant has been classified as Likely Pathogenic. This variant disrupts the p.Arg1751 amino acid residue in BRCA1. Other variant(s) that disrupt this residue have been determined to be pathogenic (PMID: 15172985, 15235020, 17305420, 20516115, 30765603). This suggests that this residue is clinically significant, and that variants that disrupt this residue are likely to be disease-causing.

Brotman Baty Institute, University of Washington
No classification provided (evidence only). Condition: Breast-ovarian cancer, familial 1. Review status: no classification provided. Collection method: in vitro. Allele origin: not applicable. Functional consequence: functionally_abnormal. Not counted in ClinVar's aggregate classification.
ClinVar note: "not provided" was previously submitted as the classification for the variant. However, the classification appeared to be based only on an observation of functional data so it was converted to no classification on 2025-07-30.

Department of Pathology and Laboratory Medicine, Sinai Health System
Classification: Uncertain significance for Malignant tumor of breast. Review status: no assertion criteria provided. Collection method: clinical testing. Allele origin: unknown. Affected: yes. Study: The Canadian Open Genetics Repository (COGR). Not counted in ClinVar's aggregate classification.
Comment: The BRCA1 p.Arg1751Gly variant was not identified in the literature, nor was it identified in the dbSNP, NHLBI Exome Sequencing Project (Exome Variant Server), Exome Aggregation Consortium (ExAC), HGMD, LOVD, COSMIC, ClinVar, GeneInsight VariantWire, BIC or UMD. The p.Arg1751 residue is conserved across mammals and most other organisms, and computational analyses (PolyPhen-2, SIFT, AlignGVGD, BLOSUM, MutationTaster) suggest that the p.Arg1751Gly variant may impact the protein. However, this information is not predictive enough to assume pathogenicity. The variant occurs outside of the splicing consensus sequence and 1 of 5 in silico or computational prediction software programs (SpliceSiteFinder, MaxEntScan, NNSPLICE, GeneSplicer, HumanSpliceFinder) predict a greater than 10% difference in splicing; this is not very predictive of pathogenicity. In summary, based on the above information, the clinical significance of this variant cannot be determined with certainty at this time. This variant is classified as a variant of unknown significance.

Literature cited by the submitters: PubMed 30209399 (cited by Ambry Genetics and Labcorp Genetics (formerly Invitae), Labcorp); PubMed 30765603 (cited by Labcorp Genetics (formerly Invitae), Labcorp).